The following is an entry in ClinVar:

NM_000188.3(HK1):c.2497C>G (p.Leu833Val)

Gene: HK1 (hexokinase 1; plus strand). Cytogenetic location: 10q22.1.
Variant type: single nucleotide variant.
Coding change: c.2497C>G on transcript NM_000188.3 (MANE Select); coding-DNA position 2497, C replaced by G.
Protein change: p.Leu833Val; replaces leucine 833 with valine.
Molecular consequence: missense variant. On other transcripts: non-coding transcript variant (2), intron variant (1).
Genome position (GRCh38, 1-based): chr10:69,398,716, C>G. VCF-style: chr10-69398716-C-G. GRCh37 (hg19) VCF-style: chr10-71158472-C-G.
Other names: c.2509C>G, p.Leu837Val (NM_001322364.2, NM_001358263.1, NM_033497.3 and 1 more transcripts); c.2602C>G, p.Leu868Val (NM_001322365.2); c.2413C>G, p.Leu805Val (NM_001322366.1, NM_001441143.1); c.2401C>G, p.Leu801Val (NM_001322367.1); c.2494C>G, p.Leu832Val (NM_001441139.1, NM_033496.3); c.2488C>G, p.Leu830Val (NM_001441140.1); c.2497C>G, p.Leu833Val (NM_001441141.1); c.2455C>G, p.Leu819Val (NM_001441142.1); and 10 more; short protein forms L595V, L703V, L759V, L805V, L833V, L868V, L781V, L837V.
Identifiers: ClinVar variation 4741531 (VCV004741531.2).

ClinVar aggregate classification (germline): Uncertain significance. Review status: criteria provided, multiple submitters, no conflicts (2 of 4 stars). 2 submissions from 2 submitters: Uncertain significance (2). Last evaluated 2025-03-18.

gnomAD v4.1: 12 of 1,614,200 alleles (0.00074%); highest among the groups gnomAD compares: Non-Finnish European, 0.00068%; no homozygotes.

Submissions (2):

Labcorp Genetics (formerly Invitae), Labcorp
Classification: Uncertain significance. Last evaluated: 2025-03-18. Review status: criteria provided, single submitter. Criteria: Invitae Variant Classification Sherloc (09022015). Collection method: clinical testing. Allele origin: germline.
Comment: This sequence change replaces leucine, which is neutral and non-polar, with valine, which is neutral and non-polar, at codon 833 of the HK1 protein (p.Leu833Val). This variant is present in population databases (rs139917475, gnomAD 0.0009%). This variant has not been reported in the literature in individuals affected with HK1-related conditions. Invitae Evidence Modeling of protein sequence and biophysical properties (such as structural, functional, and spatial information, amino acid conservation, physicochemical variation, residue mobility, and thermodynamic stability) indicates that this missense variant is not expected to disrupt HK1 protein function with a negative predictive value of 80%. In summary, the available evidence is currently insufficient to determine the role of this variant in disease. Therefore, it has been classified as a Variant of Uncertain Significance.

Blueprint Genetics
Classification: Uncertain significance. Last evaluated: 2024-02-07. Review status: criteria provided, single submitter. Criteria: ACMG Guidelines, 2015. Collection method: clinical testing. Allele origin: germline.